The following is an entry in ClinVar:

NM_001267550.2(TTN):c.25640-24G>A

Gene: TTN (titin; minus strand). Cytogenetic location: 2q31.2.
Variant type: single nucleotide variant.
Coding change: c.25640-24G>A on transcript NM_001267550.2 (MANE Select); 24 bases into the intron before coding-DNA position 25640, G replaced by A.
Molecular consequence: intron variant.
Genome position (GRCh38, 1-based): chr2:178,715,798, C>T on the plus strand (G>A on the coding strand, the complement: TTN is on the minus strand). VCF-style: chr2-178715798-C-T. GRCh37 (hg19) VCF-style: chr2-179580525-C-T.
Other names: c.13282+22284G>A (NM_003319.4); c.13858+22284G>A (NM_133437.4); c.13657+22284G>A (NM_133432.3); c.21908-24G>A (NM_133378.4); c.24689-24G>A (NM_001256850.1).
Identifiers: ClinVar variation 672569 (VCV000672569.2), dbSNP rs10183361, ClinGen allele CA2000167.

ClinVar aggregate classification (germline): Benign. Review status: criteria provided, multiple submitters, no conflicts (2 of 4 stars). 2 submissions from 2 submitters: Benign (2). Last evaluated 2018-06-14.

Allele frequency attached by ClinVar (database versions not stated): ESP Exome Variant Server 0.05886; gnomAD 0.07765 and 0.07949; gnomAD exomes 0.08091; TOPMed 0.08582; ExAC 0.10063; 1000 Genomes Project 0.11142; 1000 Genomes Project 30x 0.11165.
gnomAD v4.1: 71,356 of 1,557,590 alleles (4.6%); highest among the groups gnomAD compares: Admixed American, 17%; 3,577 homozygotes.

Submissions (2):

GeneDx
Classification: Benign. Last evaluated: 2018-06-14. Review status: criteria provided, single submitter. Criteria: GeneDx Variant Classification (06012015). Collection method: clinical testing. Allele origin: germline. Affected: yes.
Comment: This variant is considered likely benign or benign based on one or more of the following criteria: it is a conservative change, it occurs at a poorly conserved position in the protein, it is predicted to be benign by multiple in silico algorithms, and/or has population frequency not consistent with disease.

Breakthrough Genomics
Classification: Benign. Review status: criteria provided, single submitter. Criteria: ACMG Guidelines, 2015. Collection method: not provided. Allele origin: germline. Inheritance: Autosomal recessive inheritance. Affected: yes.